The following is an entry in ClinVar:

NM_004415.4(DSP):c.3706A>G (p.Arg1236Gly)

Gene: DSP (desmoplakin; plus strand). Cytogenetic location: 6p24.3.
Variant type: single nucleotide variant.
Coding change: c.3706A>G on transcript NM_004415.4 (MANE Select); coding-DNA position 3706, A replaced by G.
Protein change: p.Arg1236Gly; replaces arginine 1236 with glycine.
Molecular consequence: missense variant. On other transcripts: intron variant (1).
Genome position (GRCh38, 1-based): chr6:7,579,896, A>G. VCF-style: chr6-7579896-A-G. GRCh37 (hg19) VCF-style: chr6-7580129-A-G.
Other names: c.3706A>G (NM_004415.3, LRG_423t1); c.3706A>G, p.Arg1236Gly (NM_001319034.2); c.3582+124A>G (NM_001008844.3); short protein forms R1236G.
Identifiers: ClinVar variation 534277 (VCV000534277.20), dbSNP rs377098318, ClinGen allele CA038794.

ClinVar aggregate classification (germline): Conflicting classifications of pathogenicity. Review status: criteria provided, conflicting classifications (1 of 4 stars). 7 submissions from 7 submitters: Uncertain significance (2); Benign (1); Likely benign (4). Last evaluated 2026-01-05.

Conditions:
Cardiovascular phenotype. Identifiers: MedGen CN230736.
Arrhythmogenic cardiomyopathy with wooly hair and keratoderma. Also called: Dilated cardiomyopathy with woolly hair and keratoderma; Arrhythmogenic cardiomyopathy with woolly hair and keratoderma; Carvajal syndrome; PALMOPLANTAR KERATODERMA WITH LEFT VENTRICULAR CARDIOMYOPATHY AND WOOLLY HAIR. Identifiers: Orphanet 65282, MedGen C1854063, MONDO:0011581, OMIM 605676.
Arrhythmogenic right ventricular dysplasia 8 (ARVD8). Also called: Arrhythmogenic Right Ventricular Dysplasia/Cardiomyopathy 8; ARRHYTHMOGENIC RIGHT VENTRICULAR DYSPLASIA, FAMILIAL, 8; ARRHYTHMOGENIC RIGHT VENTRICULAR CARDIOMYOPATHY 8. Identifiers: MedGen C1843896, MONDO:0011831, OMIM 607450.
DSP-related disorder. Also called: DSP-related condition; DSP-related disorders.
Cardiomyopathy (CMYO). Also called: Cardiomyopathies. Identifiers: Orphanet 167848, MedGen C0878544, MONDO:0004994, HP:0001638. Inheritance: Various modes of inheritance.

Allele frequency attached by ClinVar (database versions not stated): gnomAD exomes 0.00002 and 0.00006; ExAC 0.00007; ESP Exome Variant Server 0.00015; gnomAD 0.00016; TOPMed 0.00027; 1000 Genomes Project 30x 0.00031; 1000 Genomes Project 0.00040.

Submissions (7):

GeneDx
Classification: Uncertain significance. Last evaluated: 2026-01-05. Review status: criteria provided, single submitter. Criteria: GeneDx Variant Classification Process June 2021. Collection method: clinical testing. Allele origin: germline.
Comment: Has not been previously published as pathogenic or benign to our knowledge; In silico analysis supports that this missense variant has a deleterious effect on protein structure/function

Labcorp Genetics (formerly Invitae), Labcorp
Classification: Benign for Arrhythmogenic cardiomyopathy with wooly hair and keratoderma; Arrhythmogenic right ventricular dysplasia 8. Last evaluated: 2025-12-24. Review status: criteria provided, single submitter. Criteria: Invitae Variant Classification Sherloc (09022015). Collection method: clinical testing. Allele origin: germline.

PreventionGenetics, part of Exact Sciences
Classification: Likely benign for DSP-related condition. Last evaluated: 2025-03-06. Review status: criteria provided, single submitter. Criteria: ACMG Guidelines, 2015. Collection method: clinical testing. Allele origin: germline.
Comment: This variant is classified as likely benign based on ACMG/AMP sequence variant interpretation guidelines (Richards et al. 2015 PMID: 25741868, with internal and published modifications).

All of Us Research Program, National Institutes of Health
Classification: Likely benign for Arrhythmogenic cardiomyopathy with wooly hair and keratoderma. Last evaluated: 2024-09-11. Review status: criteria provided, single submitter. Criteria: ACMG Guidelines, 2015. Collection method: clinical testing. Allele origin: germline. Inheritance: Autosomal dominant inheritance. Observed: 20 variant alleles, 20 heterozygotes.
Comment: This study involves interpretation of variants in research participants for the purpose of population health screening. Participant phenotype was not available at the time of variant classification. Additional details can be found in publication PMID: 35346344, PMCID: PMC8962531

Ambry Genetics
Classification: Likely benign for Cardiovascular phenotype. Last evaluated: 2024-01-31. Review status: criteria provided, single submitter. Criteria: Ambry Variant Classification Scheme 2023. Collection method: clinical testing. Allele origin: germline.

Color Diagnostics, LLC DBA Color Health
Classification: Likely benign for Cardiomyopathy. Last evaluated: 2020-01-06. Review status: criteria provided, single submitter. Criteria: ACMG Guidelines, 2015. Collection method: clinical testing. Allele origin: germline.

Stanford Center for Inherited Cardiovascular Disease, Stanford University
Classification: Uncertain significance. Last evaluated: 2018-01-03. Review status: criteria provided, single submitter. Criteria: ACMG Guidelines, 2015. Collection method: provider interpretation. Allele origin: germline.

Literature cited by the submitters: PubMed 23396983 (cited by Ambry Genetics).